The following is an entry in ClinVar:

NM_001009944.3(PKD1):c.7020G>C (p.Leu2340=)

Gene: PKD1 (polycystin 1, transient receptor potential channel interacting; minus strand). Cytogenetic location: 16p13.3.
Variant type: single nucleotide variant.
Coding change: c.7020G>C on transcript NM_001009944.3 (MANE Select); coding-DNA position 7020, G replaced by C.
Protein change: p.Leu2340=; no amino-acid change (leucine 2340 retained).
Molecular consequence: synonymous variant.
Genome position (GRCh38, 1-based): chr16:2,107,928, C>G on the plus strand (G>C on the coding strand, the complement: PKD1 is on the minus strand). VCF-style: chr16-2107928-C-G. GRCh37 (hg19) VCF-style: chr16-2157929-C-G.
Other names: p.Leu2340=; c.7020G>C, p.Leu2340= (NM_000296.4).
Identifiers: ClinVar variation 4684051 (VCV004684051.1).

ClinVar aggregate classification (germline): Likely benign (1 of 4 stars; one submission).

gnomAD v4.1: 6 of 1,546,084 alleles (0.00039%); highest among the groups gnomAD compares: Non-Finnish European, 0.00044%; no homozygotes.

Submission:

Mayo Clinic Laboratories, Mayo Clinic
Classification: Likely benign. Last evaluated: 2025-07-09. Review status: criteria provided, single submitter. Criteria: ACMG Guidelines, 2015. Collection method: clinical testing. Allele origin: germline. Observed: 2 variant alleles.
Comment: BP4, BP7